The following is an entry in ClinVar:

NM_004341.5(CAD):c.5382T>C (p.Tyr1794=)

Gene: CAD (carbamoyl-phosphate synthetase 2, aspartate transcarbamylase, and dihydroorotase; plus strand). Cytogenetic location: 2p23.3.
Variant type: single nucleotide variant.
Coding change: c.5382T>C on transcript NM_004341.5 (MANE Select); coding-DNA position 5382, T replaced by C.
Protein change: p.Tyr1794=; no amino-acid change (tyrosine 1794 retained).
Molecular consequence: synonymous variant.
Genome position (GRCh38, 1-based): chr2:27,239,459, T>C. VCF-style: chr2-27239459-T-C. GRCh37 (hg19) VCF-style: chr2-27462327-T-C.
Other names: c.5193T>C, p.Tyr1731= (NM_001306079.2); c.5382T>C (NM_004341.4).
Identifiers: ClinVar variation 1596968 (VCV001596968.11), dbSNP rs146093881, ClinGen allele CA1573830.

ClinVar aggregate classification (germline): Likely benign. Review status: criteria provided, multiple submitters, no conflicts (2 of 4 stars). 3 submissions from 3 submitters: Likely benign (2). 1 of the submissions does not count toward it. Last evaluated 2026-01-28.

Conditions:
CAD-related disorder. Also called: CAD-related condition.

Allele frequency attached by ClinVar (database versions not stated): gnomAD exomes 0.00003 and 0.00010; ExAC 0.00014; TOPMed 0.00031; gnomAD 0.00032 and 0.00033; ESP Exome Variant Server 0.00038; 1000 Genomes Project 0.00060; 1000 Genomes Project 30x 0.00062.

Submissions (3):

Labcorp Genetics (formerly Invitae), Labcorp
Classification: Likely benign. Last evaluated: 2026-01-28. Review status: criteria provided, single submitter. Criteria: Invitae Variant Classification Sherloc (09022015). Collection method: clinical testing. Allele origin: germline.

Breakthrough Genomics
Classification: Likely benign. Review status: criteria provided, single submitter. Criteria: ACMG Guidelines, 2015. Collection method: not provided. Allele origin: germline. Inheritance: Autosomal recessive inheritance. Affected: yes.

PreventionGenetics, part of Exact Sciences
Classification: Likely benign for CAD-related condition. Last evaluated: 2020-10-08. Review status: no assertion criteria provided. Collection method: clinical testing. Allele origin: germline. Not counted in ClinVar's aggregate classification.
Comment: This variant is classified as likely benign based on ACMG/AMP sequence variant interpretation guidelines (Richards et al. 2015 PMID: 25741868, with internal and published modifications).